The following is an entry in ClinVar:

ClinVar aggregate classification (germline): Uncertain significance (1 of 4 stars; one submission).

Allele frequency attached by ClinVar (database versions not stated): gnomAD 0.00004.
gnomAD v4.1: 7 of 1,191,503 alleles (0.00059%); highest among the groups gnomAD compares: East Asian, 0.003%; no homozygotes.

Submission:

GeneDx
Classification: Uncertain significance. Last evaluated: 2023-01-26. Review status: criteria provided, single submitter. Criteria: GeneDx Variant Classification Process June 2021. Collection method: clinical testing. Allele origin: germline. Affected: yes.
Comment: Not observed at significant frequency in large population cohorts (gnomAD); In silico analysis supports that this variant does not alter splicing; Has not been previously published as pathogenic or benign to our knowledge; Reported using an alternate transcript of the gene

NM_021120.4(DLG3):c.1145+710C>T

Gene: DLG3 (discs large MAGUK scaffold protein 3; plus strand). Cytogenetic location: Xq13.1.
Variant type: single nucleotide variant.
Coding change: c.1145+710C>T on transcript NM_021120.4 (MANE Select); 710 bases into the intron after coding-DNA position 1145, C replaced by T.
Molecular consequence: intron variant. On other transcripts: missense variant (1).
Genome position (GRCh38, 1-based): chrX:70,452,736, C>T. VCF-style: chrX-70452736-C-T. GRCh37 (hg19) VCF-style: chrX-69672586-C-T.
Other names: c.115C>T, p.Arg39Trp (NM_020730.3); short protein forms R39W.
Identifiers: ClinVar variation 2574437 (VCV002574437.1), dbSNP rs769261082, ClinGen allele CA413494798.
Genomic context (GRCh38, chrX:70,452,736, plus strand): 5'-GCCTCCGCTTCGGCCTGGAGGAGGGCTTCGCAGAGGTGGGCCTGGCCGCTCCGCTCCCTG[C>T]GGCCCGGAGGGGATGCCAGGTAGGAGTGGAGGGCTAGGAGCAAGAGCATCCGGGACTCAG-3'